The following is an entry in ClinVar:

ClinVar aggregate classification (germline): Likely benign (0 of 4 stars; one submission).

Conditions:
SIN3B-related disorder. Also called: SIN3B-related condition.

Allele frequency attached by ClinVar (database versions not stated): 1000 Genomes Project 30x 0.00047; 1000 Genomes Project 0.00060; TOPMed 0.00094; gnomAD 0.00115; ExAC 0.00139; ESP Exome Variant Server 0.00161; gnomAD exomes 0.00170.
gnomAD v4.1: 2,621 of 1,613,928 alleles (0.16%); highest among the groups gnomAD compares: Non-Finnish European, 0.2%; 4 homozygotes.

Submission:

PreventionGenetics, part of Exact Sciences
Classification: Likely benign for SIN3B-related condition. Last evaluated: 2022-02-11. Review status: no assertion criteria provided. Collection method: clinical testing. Allele origin: germline.
Comment: This variant is classified as likely benign based on ACMG/AMP sequence variant interpretation guidelines (Richards et al. 2015 PMID: 25741868, with internal and published modifications).

NM_001297595.2(SIN3B):c.365C>T (p.Ser122Leu)

Gene: SIN3B (SIN3 transcription regulator family member B; plus strand). Cytogenetic location: 19p13.11.
Variant type: single nucleotide variant.
Coding change: c.365C>T on transcript NM_001297595.2 (MANE Select); coding-DNA position 365, C replaced by T.
Protein change: p.Ser122Leu; replaces serine 122 with leucine.
Molecular consequence: missense variant.
Genome position (GRCh38, 1-based): chr19:16,831,631, C>T. VCF-style: chr19-16831631-C-T. GRCh37 (hg19) VCF-style: chr19-16942442-C-T.
Other names: c.365C>T, p.Ser122Leu (NM_015260.4); short protein forms S122L.
Identifiers: ClinVar variation 3040879 (VCV003040879.2), dbSNP rs61739673, ClinGen allele CA9282797.